The following is an entry in ClinVar:

NM_001164508.2(NEB):c.4934C>A (p.Thr1645Asn)

Gene: NEB (nebulin; minus strand). Cytogenetic location: 2q23.3.
Variant type: single nucleotide variant.
Coding change: c.4934C>A on transcript NM_001164508.2 (MANE Select); coding-DNA position 4934, C replaced by A.
Protein change: p.Thr1645Asn; replaces threonine 1645 with asparagine.
Molecular consequence: missense variant.
Genome position (GRCh38, 1-based): chr2:151,666,187, G>T on the plus strand (C>A on the coding strand, the complement: NEB is on the minus strand). VCF-style: chr2-151666187-G-T. GRCh37 (hg19) VCF-style: chr2-152522701-G-T.
Other names: c.4934C>A, p.Thr1645Asn (NM_001164507.2, NM_001271208.2, NM_004543.5); c.4934C>A (NM_004543.4); short protein forms T1645N.
Identifiers: ClinVar variation 2166717 (VCV002166717.2), dbSNP rs779762439, ClinGen allele CA1910503.
Genomic context (GRCh38, chr2:151,666,187, plus strand): 5'-ACATTCAAGGCATCGGGCAGGAGAGTGTAGTGGTGGTATGACTGTCTGTAGTTGGCGTTG[G>T]TGGCAACCTCCTGAGATTTCTTTGCAGCTGTCACACTGACCATATCCAGAGGTGTGTGGT-3'
Protein context (NP_001157980.2, residues 1635-1655): TAAKKSQEVA[Thr1645Asn]NANYRQSYHH

ClinVar aggregate classification (germline): Uncertain significance. Review status: criteria provided, multiple submitters, no conflicts (2 of 4 stars). 2 submissions from 2 submitters: Uncertain significance (2). Last evaluated 2023-09-22.

Conditions:
Inborn genetic diseases. Identifiers: MedGen C0950123, MeSH D030342.
Nemaline myopathy 2 (NEM2). Also called: Nemaline myopathy 2, autosomal recessive. Identifiers: MedGen C1850569, MONDO:0009725, OMIM 256030.

Allele frequency attached by ClinVar (database versions not stated): TOPMed below 0.00001; ExAC 0.00001; gnomAD 0.00001.
gnomAD v4.1: 8 of 1,613,846 alleles (0.0005%); highest among the groups gnomAD compares: African/African-American, 0.0013%; no homozygotes.

Submissions (2):

Ambry Genetics
Classification: Uncertain significance for Inborn genetic diseases. Last evaluated: 2023-09-22. Review status: criteria provided, single submitter. Criteria: Ambry Variant Classification Scheme 2023. Collection method: clinical testing. Allele origin: germline.

Labcorp Genetics (formerly Invitae), Labcorp
Classification: Uncertain significance for Nemaline myopathy 2. Last evaluated: 2021-08-28. Review status: criteria provided, single submitter. Criteria: Invitae Variant Classification Sherloc (09022015). Collection method: clinical testing. Allele origin: germline.
Comment: This sequence change replaces threonine with asparagine at codon 1645 of the NEB protein (p.Thr1645Asn). The threonine residue is moderately conserved and there is a small physicochemical difference between threonine and asparagine. This variant is present in population databases (rs779762439, ExAC 0.001%). This variant has not been reported in the literature in individuals affected with NEB-related conditions. Algorithms developed to predict the effect of missense changes on protein structure and function are either unavailable or do not agree on the potential impact of this missense change (SIFT: "Deleterious"; PolyPhen-2: "Not Available"; Align-GVGD: "Class C0"). In summary, the available evidence is currently insufficient to determine the role of this variant in disease. Therefore, it has been classified as a Variant of Uncertain Significance.